The following is an entry in ClinVar:

ClinVar aggregate classification (germline): Conflicting classifications of pathogenicity. Review status: criteria provided, conflicting classifications (1 of 4 stars). 3 submissions from 3 submitters: Uncertain significance (1); Likely benign (1). 1 of the submissions does not count toward it. Last evaluated 2025-11-12.

Allele frequency attached by ClinVar (database versions not stated): ExAC 0.00003.
gnomAD v4.1: 41 of 1,563,770 alleles (0.0026%); highest among the groups gnomAD compares: Non-Finnish European, 0.0033%; no homozygotes.

Submissions (3):

Labcorp Genetics (formerly Invitae), Labcorp
Classification: Likely benign. Last evaluated: 2025-11-12. Review status: criteria provided, single submitter. Criteria: Invitae Variant Classification Sherloc (09022015). Collection method: clinical testing. Allele origin: germline.

Blueprint Genetics
Classification: Uncertain significance. Last evaluated: 2024-05-16. Review status: criteria provided, single submitter. Criteria: ACMG Guidelines, 2015. Collection method: clinical testing. Allele origin: germline.

Department of Pathology and Laboratory Medicine, Sinai Health System
Classification: Uncertain significance. Review status: no assertion criteria provided. Collection method: clinical testing. Allele origin: unknown. Affected: yes. Study: The Canadian Open Genetics Repository (COGR). Not counted in ClinVar's aggregate classification.
Comment: The IRF2BP2 p.Gly288Gly variant was not identified in the literature nor was it identified in ClinVar or LOVD 3.0. The variant was identified in dbSNP (ID: rs768782125) and in control databases in 2 of 184488 chromosomes at a frequency of 0.00001084 (Genome Aggregation Database March 6, 2019, v2.1.1). The variant was observed in the European (non-Finnish) population in 2 of 84686 chromosomes (freq: 0.000024), but was not observed in the African, Latino, Ashkenazi Jewish, East Asian, European (Finnish), Other, or South Asian populations. The p.Gly288Gly variant is not expected to have clinical significance because it does not result in a change of amino acid and is not located in a known consensus splice site. The variant occurs outside of the splicing consensus sequence and 3 of 4 in silico or computational prediction software programs (SpliceSiteFinder, MaxEntScan, NNSPLICE, GeneSplicer) predict a greater than 10% difference in splicing and the creation of a new 5' splice site. However, this has not been confirmed by RNA analysis and is not predictive enough to assume pathogenicity. In summary, based on the above information the clinical significance of this variant cannot be determined with certainty at this time. This variant is classified as a variant of uncertain significance.

NM_182972.3(IRF2BP2):c.864C>T (p.Gly288=)

Gene: IRF2BP2 (interferon regulatory factor 2 binding protein 2; minus strand). Cytogenetic location: 1q42.3.
Variant type: single nucleotide variant.
Coding change: c.864C>T on transcript NM_182972.3 (MANE Select); coding-DNA position 864, C replaced by T.
Protein change: p.Gly288=; no amino-acid change (glycine 288 retained).
Molecular consequence: synonymous variant.
Genome position (GRCh38, 1-based): chr1:234,608,631, G>A on the plus strand (C>T on the coding strand, the complement: IRF2BP2 is on the minus strand). VCF-style: chr1-234608631-G-A. GRCh37 (hg19) VCF-style: chr1-234744377-G-A.
Other names: c.864C>T, p.Gly288= (NM_001077397.1).
Identifiers: ClinVar variation 1050678 (VCV001050678.7), dbSNP rs768782125, ClinGen allele CA1461752.